The following is an entry in ClinVar:

NM_001330078.2(NRXN1):c.1887C>T (p.Thr629=)

Gene: NRXN1 (neurexin 1; minus strand). Cytogenetic location: 2p16.3.
Variant type: single nucleotide variant.
Coding change: c.1887C>T on transcript NM_001330078.2 (MANE Select); coding-DNA position 1887, C replaced by T.
Protein change: p.Thr629=; no amino-acid change (threonine 629 retained).
Molecular consequence: synonymous variant.
Genome position (GRCh38, 1-based): chr2:50,538,509, G>A on the plus strand (C>T on the coding strand, the complement: NRXN1 is on the minus strand). VCF-style: chr2-50538509-G-A. GRCh37 (hg19) VCF-style: chr2-50765647-G-A.
Other names: c.2007C>T, p.Thr669= (NM_001135659.3); c.1863C>T, p.Thr621= (NM_001330077.2, NM_001330082.2, NM_001330095.2); c.1848C>T, p.Thr616= (NM_001330083.2, NM_001330084.2); c.1887C>T, p.Thr629= (NM_001330085.2, NM_001330086.2, NM_004801.6); c.1803C>T, p.Thr601= (NM_001330087.2, NM_001330096.2); c.1833C>T, p.Thr611= (NM_001330088.2); c.1884C>T, p.Thr628= (NM_001330093.2); c.1875C>T, p.Thr625= (NM_001330094.2).
Identifiers: ClinVar variation 509595 (VCV000509595.21), dbSNP rs200603742, ClinGen allele CA1654959.

ClinVar aggregate classification (germline): Likely benign. Review status: criteria provided, multiple submitters, no conflicts (2 of 4 stars). 5 submissions from 5 submitters: Likely benign (5). Last evaluated 2026-02-01.

Conditions:
Inborn genetic diseases. Identifiers: MedGen C0950123, MeSH D030342.
Pitt-Hopkins-like syndrome 2 (PTHSL2). Identifiers: Orphanet 221150, Orphanet 600663, MedGen C3280479, MONDO:0013690, OMIM 614325.

Allele frequency attached by ClinVar (database versions not stated): gnomAD exomes 0.00001 and 0.00003; ExAC 0.00004; gnomAD 0.00006; TOPMed 0.00006; ESP Exome Variant Server 0.00008; 1000 Genomes Project 30x 0.00016; 1000 Genomes Project 0.00020.
gnomAD v4.1: 36 of 1,607,464 alleles (0.0022%); highest among the groups gnomAD compares: African/African-American, 0.008%; no homozygotes.

Submissions (5):

CeGaT Center for Human Genetics Tuebingen
Classification: Likely benign. Last evaluated: 2026-02-01. Review status: criteria provided, single submitter. Criteria: CeGaT Center For Human Genetics Tuebingen Variant Classification Criteria Version 2. Collection method: clinical testing. Allele origin: germline. Affected: yes. Observed: 1 variant allele.
Comment: NRXN1: BP4, BP7

Labcorp Genetics (formerly Invitae), Labcorp
Classification: Likely benign for Pitt-Hopkins-like syndrome 2. Last evaluated: 2025-03-25. Review status: criteria provided, single submitter. Criteria: Invitae Variant Classification Sherloc (09022015). Collection method: clinical testing. Allele origin: germline.

Blueprint Genetics
Classification: Likely benign. Last evaluated: 2022-12-29. Review status: criteria provided, single submitter. Criteria: ACMG Guidelines, 2015. Collection method: clinical testing. Allele origin: germline.

GeneDx
Classification: Likely benign. Last evaluated: 2020-01-10. Review status: criteria provided, single submitter. Criteria: GeneDx Variant Classification Process June 2021. Collection method: clinical testing. Allele origin: germline. Affected: yes.

Ambry Genetics
Classification: Likely benign for Inborn genetic diseases. Last evaluated: 2016-06-21. Review status: criteria provided, single submitter. Criteria: Ambry Variant Classification Scheme 2023. Collection method: clinical testing. Allele origin: germline.